The following is an entry in ClinVar:

ClinVar aggregate classification (germline): Uncertain significance (1 of 4 stars; one submission).

Submission:

GeneDx
Classification: Uncertain significance. Last evaluated: 2026-10-01. Review status: criteria provided, single submitter. Criteria: GeneDx Variant Classification Process June 2021. Collection method: clinical testing. Allele origin: germline.
Comment: Not observed at significant frequency in large population cohorts (gnomAD); Frameshift variant predicted to result in protein truncation or nonsense mediated decay in a gene or region of a gene for which loss of function is not a well-established mechanism of disease; Has not been previously published as pathogenic or benign to our knowledge

NM_182972.3(IRF2BP2):c.413_434dup (p.Pro146fs)

Genes: IRF2BP2 (interferon regulatory factor 2 binding protein 2; minus strand), LOC129932812 (ATAC-STARR-seq lymphoblastoid silent region 1977; plus strand). Cytogenetic location: 1q42.3.
Variant type: Duplication.
Coding change: c.413_434dup on transcript NM_182972.3 (MANE Select); coding-DNA positions 413 to 434, 22 bases duplicated (CGGCAGCGAGCCTGGCCCAGCC).
Protein change: p.Pro146fs; shifts the reading frame from proline 146.
Molecular consequence: frameshift variant.
Genome position (GRCh38, 1-based): chr1:234,609,061-234,609,082, GGCTGGGCCAGGCTCGCTGCCG duplicated on the plus strand (CGGCAGCGAGCCTGGCCCAGCC on the coding strand, the reverse complement: IRF2BP2 is on the minus strand); duplicating any 22 consecutive bases within chr1:234,609,061-234,609,085 gives the same sequence; the c. name uses the placement nearest the transcript's 3' end. VCF-style (leftmost placement, unchanged base first): chr1-234609060-C-CGGCTGGGCCAGGCTCGCTGCCG. GRCh37 (hg19) VCF-style: chr1-234744806-C-CGGCTGGGCCAGGCTCGCTGCCG.
Other names: c.413_434dup, p.Pro146fs (NM_001077397.1); short protein forms P146fs.
Identifiers: ClinVar variation 3393719 (VCV003393719.2).